The following is an entry in ClinVar:

NM_002230.4(JUP):c.1046T>C (p.Val349Ala)

Gene: JUP (junction plakoglobin; minus strand). Cytogenetic location: 17q21.2.
Variant type: single nucleotide variant.
Coding change: c.1046T>C on transcript NM_002230.4 (MANE Select); coding-DNA position 1046, T replaced by C.
Protein change: p.Val349Ala; replaces valine 349 with alanine.
Molecular consequence: missense variant.
Genome position (GRCh38, 1-based): chr17:41,764,931, A>G on the plus strand (T>C on the coding strand, the complement: JUP is on the minus strand). VCF-style: chr17-41764931-A-G. GRCh37 (hg19) VCF-style: chr17-39921183-A-G.
Other names: c.1046T>C, p.Val349Ala (NM_001352773.2, NM_001352774.2, NM_001352775.2 and 3 more transcripts); short protein forms V349A.
Identifiers: ClinVar variation 1720145 (VCV001720145.5), dbSNP rs782648958, ClinGen allele CA8565313.
Genomic context (GRCh38, chr17:41,764,931, plus strand): 5'-GGCAGCTGGGCAGAGCTCCCACCCCAGCCGCCCTCAAGGCCATCATACTCACCAGCCTCC[A>G]CAATGGCAGGCTTATTGCTGGGACACACGGATAGCACCTTGAGCACACGACTGGTGGTCC-3'
Protein context (NP_002221.1, residues 339-359): SVCPSNKPAI[Val349Ala]EAGGMQALGK

ClinVar aggregate classification (germline): Uncertain significance (1 of 4 stars; one submission).

Conditions:
Naxos disease (NXD). Also called: KERATOSIS PALMOPLANTARIS WITH ARRHYTHMOGENIC CARDIOMYOPATHY; MAL DE NAXOS; PALMOPLANTAR KERATODERMA WITH ARRHYTHMOGENIC RIGHT VENTRICULAR CARDIOMYOPATHY AND WOOLLY HAIR; WOOLLY HAIR, PALMOPLANTAR KERATODERMA, AND CARDIAC ABNORMALITIES; CARDIOMYOPATHY, ARRHYTHMOGENIC RIGHT VENTRICULAR, WITH SKIN, HAIR, AND NAIL ABNORMALITIES. Identifiers: Orphanet 34217, MedGen C1832600, MONDO:0011017, OMIM 601214.
Arrhythmogenic right ventricular dysplasia 12. Also called: ARRHYTHMOGENIC RIGHT VENTRICULAR DYSPLASIA, FAMILIAL, 12. Identifiers: MedGen C1969081, MONDO:0012684, OMIM 611528.

Allele frequency attached by ClinVar (database versions not stated): ExAC 0.00001.

Submission:

Labcorp Genetics (formerly Invitae), Labcorp
Classification: Uncertain significance for Arrhythmogenic right ventricular dysplasia 12; Naxos disease. Last evaluated: 2022-09-28. Review status: criteria provided, single submitter. Criteria: Invitae Variant Classification Sherloc (09022015). Collection method: clinical testing. Allele origin: germline.
Comment: In summary, the available evidence is currently insufficient to determine the role of this variant in disease. Therefore, it has been classified as a Variant of Uncertain Significance. This variant is present in population databases (rs782648958, gnomAD 0.0009%). Algorithms developed to predict the effect of missense changes on protein structure and function are either unavailable or do not agree on the potential impact of this missense change (SIFT: "Deleterious"; PolyPhen-2: "Probably Damaging"; Align-GVGD: "Class C0"). This variant has not been reported in the literature in individuals affected with JUP-related conditions. This sequence change replaces valine, which is neutral and non-polar, with alanine, which is neutral and non-polar, at codon 349 of the JUP protein (p.Val349Ala).